The following is an entry in ClinVar:

ClinVar aggregate classification (germline): Uncertain significance (1 of 4 stars; one submission).

Conditions:
Leigh syndrome (NULS). Also called: Leigh's necrotizing encephalopathy; Leigh's disease; Leigh Syndrome (mtDNA deletion); Leigh Disease; Subacute necrotizing encephalopathy; Necrotizing encephalopathy infantile subacute of Leigh. Identifiers: Orphanet 506, MedGen C2931891, MONDO:0009723, OMIM 256000.

Submission:

Wong Mito Lab, Molecular and Human Genetics, Baylor College of Medicine
Classification: Uncertain significance for Leigh syndrome. Last evaluated: 2019-10-17. Review status: criteria provided, single submitter. Criteria: Modified ACMG Guidelines (Unpublished). Collection method: clinical testing. Allele origin: germline.
Comment: The NC_012920.1:m.12545C>T (YP_003024036.1:p.Thr70Met) variant in MTND5 gene is interpretated to be a Uncertain Significance variant based on the modified ACMG guidelines (unpublished). This variant meets the following evidence codes: BP4

NC_012920.1(MT-ND5):m.12545C>T

Gene: MT-ND5 (mitochondrially encoded NADH dehydrogenase 5; plus strand).
Variant type: single nucleotide variant.
Genome position: chrM-12545-C-T.
Identifiers: ClinVar variation 693461 (VCV000693461.1), dbSNP rs1603223799, ClinGen allele CA414813696.
Genomic context (GRCh38, chrMT:12,545, plus strand): 5'-CCACAACAATATTCATGTGCCTAGACCAAGAAGTTATTATCTCGAACTGACACTGAGCCA[C>T]AACCCAAACAACCCAGCTCTCCCTAAGCTTCAAACTAGACTACTTCTCCATAATATTCAT-3'